The following is an entry in ClinVar:

NM_001184.4(ATR):c.2556A>C (p.Glu852Asp)

Gene: ATR (ATR checkpoint kinase; minus strand). Cytogenetic location: 3q23.
Variant type: single nucleotide variant.
Coding change: c.2556A>C on transcript NM_001184.4 (MANE Select); coding-DNA position 2556, A replaced by C.
Protein change: p.Glu852Asp; replaces glutamic acid 852 with aspartic acid.
Molecular consequence: missense variant.
Genome position (GRCh38, 1-based): chr3:142,553,717, T>G on the plus strand (A>C on the coding strand, the complement: ATR is on the minus strand). VCF-style: chr3-142553717-T-G. GRCh37 (hg19) VCF-style: chr3-142272559-T-G.
Other names: c.2364A>C, p.Glu788Asp (NM_001354579.2); short protein forms E788D, E852D.
Identifiers: ClinVar variation 1793013 (VCV001793013.2), dbSNP rs1308133092, ClinGen allele CA354815746.

ClinVar aggregate classification (germline): Uncertain significance (1 of 4 stars; one submission).

Conditions:
Inborn genetic diseases. Identifiers: MedGen C0950123, MeSH D030342.

Allele frequency attached by ClinVar (database versions not stated): gnomAD exomes 0.00001.
gnomAD v4.1: 7 of 1,612,860 alleles (0.00043%); highest among the groups gnomAD compares: Non-Finnish European, 0.00059%; no homozygotes.

Submission:

Ambry Genetics
Classification: Uncertain significance for Inborn genetic diseases. Last evaluated: 2022-07-28. Review status: criteria provided, single submitter. Criteria: Ambry Variant Classification Scheme 2023. Collection method: clinical testing. Allele origin: germline.
Comment: The p.E852D variant (also known as c.2556A>C), located in coding exon 12 of the ATR gene, results from an A to C substitution at nucleotide position 2556. The glutamic acid at codon 852 is replaced by aspartic acid, an amino acid with highly similar properties. This amino acid position is conserved. In addition, this alteration is predicted to be tolerated by in silico analysis. Since supporting evidence is limited at this time, the clinical significance of this alteration remains unclear.